The following is an entry in ClinVar:

NM_001134831.2(AHI1):c.1522C>G (p.Pro508Ala)

Gene: AHI1 (Abelson helper integration site 1; minus strand). Cytogenetic location: 6q23.3.
Variant type: single nucleotide variant.
Coding change: c.1522C>G on transcript NM_001134831.2 (MANE Select); coding-DNA position 1522, C replaced by G.
Protein change: p.Pro508Ala; replaces proline 508 with alanine.
Molecular consequence: missense variant.
Genome position (GRCh38, 1-based): chr6:135,448,394, G>C on the plus strand (C>G on the coding strand, the complement: AHI1 is on the minus strand). VCF-style: chr6-135448394-G-C. GRCh37 (hg19) VCF-style: chr6-135769532-G-C.
Other names: c.1522C>G, p.Pro508Ala (NM_001134830.2, NM_001134832.2, NM_001350503.2 and 2 more transcripts); short protein forms P508A.
Identifiers: ClinVar variation 1309759 (VCV001309759.2), dbSNP rs2128059018, ClinGen allele CA365745405.

ClinVar aggregate classification (germline): Uncertain significance (1 of 4 stars; one submission).

Submission:

GeneDx
Classification: Uncertain significance. Last evaluated: 2019-10-25. Review status: criteria provided, single submitter. Criteria: GeneDx Variant Classification Process June 2021. Collection method: clinical testing. Allele origin: germline. Affected: yes.
Comment: Not observed in large population cohorts (Lek et al., 2016); In silico analysis, which includes protein predictors and evolutionary conservation, supports that this variant does not alter protein structure/function; Has not been previously published as pathogenic or benign to our knowledge